The following is an entry in ClinVar:

ClinVar aggregate classification (germline): Likely pathogenic (1 of 4 stars; one submission).

Conditions:
Hereditary cancer-predisposing syndrome. Also called: Neoplastic Syndromes, Hereditary; Tumor predisposition; Hereditary neoplastic syndrome; Hereditary Cancer Syndrome. Identifiers: Orphanet 140162, MedGen C0027672, MeSH D009386, MONDO:0015356.

Submission:

Ambry Genetics
Classification: Likely pathogenic for Hereditary cancer-predisposing syndrome. Last evaluated: 2018-03-10. Review status: criteria provided, single submitter. Criteria: Ambry Variant Classification Scheme 2023. Collection method: clinical testing. Allele origin: germline.
Comment: The c.463G>T variant (also known as p.V155L), located in coding exon 2 of the VHL gene, results from a G to T substitution at nucleotide position 463. This change occurs in the last base pair of coding exon 2, which makes it likely to have some effect on normal mRNA splicing. This nucleotide position is highly conserved in available vertebrate species. Using two different splice site prediction tools, this alteration is predicted by BDGP to abolish the native splice donor site, but is predicted to weaken (but not abolish) the efficiency of the native splice donor site by ESEfinder; however, direct evidence is unavailable. Two other nucleotide substitutions at the same position, c.463G>C and c.463G>A (also designated 676G>A), have been detected in individuals diagnosed with VHL (Kondo K et al. Hum. Mol. Genet. 1995 Dec;4:2233-7; Gallou C et al. Hum. Mutat. 2004 Sep;24:215-24). Based on the majority of available evidence to date, this variant is likely to be pathogenic.

Literature cited by the submitters: PubMed 15300849; PubMed 8634692.

NM_000551.4(VHL):c.463G>T (p.Val155Leu)

Genes: VHL (von Hippel-Lindau tumor suppressor; plus strand), LOC107303340 (3p25 von Hippel-Lindau tumor suppressor, E3 ubiquitin protein ligase Alu-mediated recombination region; plus strand). Cytogenetic location: 3p25.3.
Variant type: single nucleotide variant.
Coding change: c.463G>T on transcript NM_000551.4 (MANE Select); coding-DNA position 463, G replaced by T.
Protein change: p.Val155Leu; replaces valine 155 with leucine.
Molecular consequence: missense variant. On other transcripts: intron variant (2).
Genome position (GRCh38, 1-based): chr3:10,146,636, G>T. VCF-style: chr3-10146636-G-T. GRCh37 (hg19) VCF-style: chr3-10188320-G-T.
Other names: c.*18-3151G>T (NM_001354723.2); c.341-3151G>T (NM_198156.3); short protein forms V155L.
Identifiers: ClinVar variation 825062 (VCV000825062.4), dbSNP rs869025659, ClinGen allele CA16621937.